The following is an entry in ClinVar:

ClinVar aggregate classification (germline): Uncertain significance (1 of 4 stars; one submission).

Submission:

Ambry Genetics
Classification: Uncertain significance. Last evaluated: 2024-03-03. Review status: criteria provided, single submitter. Criteria: Ambry Variant Classification Scheme 2023. Collection method: clinical testing. Allele origin: germline.
Comment: The p.I604T variant (also known as c.1811T>C), located in coding exon 3 of the ALPK2 gene, results from a T to C substitution at nucleotide position 1811. The isoleucine at codon 604 is replaced by threonine, an amino acid with similar properties. This amino acid position is conserved. In addition, this alteration is predicted to be tolerated by in silico analysis. Based on the available evidence, the clinical significance of this alteration remains unclear.

NM_052947.4(ALPK2):c.1811T>C (p.Ile604Thr)

Gene: ALPK2 (alpha kinase 2; minus strand). Cytogenetic location: 18q21.31.
Variant type: single nucleotide variant.
Coding change: c.1811T>C on transcript NM_052947.4 (MANE Select); coding-DNA position 1811, T replaced by C.
Protein change: p.Ile604Thr; replaces isoleucine 604 with threonine.
Molecular consequence: missense variant.
Genome position (GRCh38, 1-based): chr18:58,578,965, A>G on the plus strand (T>C on the coding strand, the complement: ALPK2 is on the minus strand). VCF-style: chr18-58578965-A-G. GRCh37 (hg19) VCF-style: chr18-56246197-A-G.
Other names: short protein forms I604T.
Identifiers: ClinVar variation 3228589 (VCV003228589.1), dbSNP rs2518898547, ClinGen allele CA402560063.